The following is an entry in ClinVar:

ClinVar aggregate classification (germline): Pathogenic. Review status: criteria provided, multiple submitters, no conflicts (2 of 4 stars). 20 submissions from 20 submitters: Pathogenic (19). 1 of the submissions does not count toward it. Last evaluated 2026-01-27.

Conditions:
Malignant tumor of breast. Also called: Malignant breast neoplasm; Cancer breast. Identifiers: MedGen C0006142, MONDO:0007254. Disease mechanism: loss of function.
Ataxia-telangiectasia syndrome (AT). Also called: LOUIS-BAR SYNDROME; Ataxia-telangiectasia; Ataxia telangiectasia (A-T); Cerebello-oculocutaneous telangiectasia; Immunodeficiency with ataxia telangiectasia; Ataxia-telangiectasia, complementation group D. Identifiers: Orphanet 100, MedGen C0004135, MONDO:0008840, OMIM 208900.
ATM-related disorder. Also called: ATM-related disorders; ATM-related condition.
Breast cancer, susceptibility to. Identifiers: MedGen C3469522. Disease mechanism: gain of function.
Hereditary cancer-predisposing syndrome. Also called: Tumor predisposition; Hereditary neoplastic syndrome; Neoplastic Syndromes, Hereditary; Hereditary Cancer Syndrome. Identifiers: Orphanet 140162, MedGen C0027672, MeSH D009386, MONDO:0015356.
Familial cancer of breast. Also called: Hereditary breast cancer; hereditary breast carcinoma; BREAST CANCER, FAMILIAL. Identifiers: Orphanet 227535, MedGen C0346153, MONDO:0016419, OMIM 114480. Disease mechanism: loss of function.

Allele frequency attached by ClinVar (database versions not stated): TOPMed below 0.00001; gnomAD 0.00001; gnomAD exomes 0.00001.

Submissions 1 to 11 of 20:

Labcorp Genetics (formerly Invitae), Labcorp
Classification: Pathogenic for Ataxia-telangiectasia syndrome. Last evaluated: 2026-01-27. Review status: criteria provided, single submitter. Criteria: Invitae Variant Classification Sherloc (09022015). Collection method: clinical testing. Allele origin: germline.
Comment: This sequence change creates a premature translational stop signal (p.Trp57*) in the ATM gene. It is expected to result in an absent or disrupted protein product. Loss-of-function variants in ATM are known to be pathogenic (PMID: 23807571, 25614872). This variant is not present in population databases (gnomAD no frequency). This premature translational stop signal has been observed in individual(s) with ataxia-telangiectasia, breast cancer, multiple sessile serrated adenomas, colon cancer, and pancreatic cancer (PMID: 10817650, 21787400, 22585167, 24512911, 26681312, 27083775). It has also been observed to segregate with disease in related individuals. ClinVar contains an entry for this variant (Variation ID: 127341). For these reasons, this variant has been classified as Pathogenic.

PreventionGenetics, part of Exact Sciences
Classification: Pathogenic for ATM-related condition. Last evaluated: 2025-12-05. Review status: criteria provided, single submitter. Criteria: ACMG Guidelines, 2015. Collection method: clinical testing. Allele origin: germline.
Comment: The ATM c.170G>A variant is predicted to result in premature protein termination (p.Trp57*). This variant has been reported with a second ATM variant in individuals with ataxia telangiectasia (Li et al. 2000. PubMed ID: 10817650). It has also been reported in the heterozygous state in individuals with a variety of cancers, including breast (Goldgar et al. 2011. PubMed ID: 21787400), colon (Table S1, Susswein et al. 2016. PubMed ID: 26681312), pancreatic (Roberts et al. 2012. PubMed ID: 22585167), and multiple sessile serrated adenomas (Gala et al. 2014. PubMed ID: 24512911). This variant has not been reported in a large population database (gnomAD), indicating it is rare. This variant is interpreted as pathogenic in ClinVar (Variation ID: 127341), and nonsense variants in ATM are expected to be pathogenic. This variant is interpreted as pathogenic.

Rady Children's Institute for Genomic Medicine, Rady Children's Hospital San Diego
Classification: Pathogenic for ATM-related disorders. Last evaluated: 2025-11-20. Review status: criteria provided, single submitter. Criteria: ACMG Guidelines, 2015. Collection method: clinical testing. Allele origin: germline. Affected: yes.
Comment: This nonsense variant found in exon 3 of 63 is predicted to result in loss of normal protein function through either protein truncation or nonsense-mediated mRNA decay. This variant has been previously reported as a heterozygous change in patients with personal and/or family history of breast cancer, colon cancer, and/or pancreatic cancer (PMID: 21787400, 22585167, 26681312, 27083775). This variant has also been reported as a compound heterozygous change in individuals with ataxia telangiectasia (PMID: 10817650, 19147735, 30549301). The c.170G>A (p.Trp57Ter) variant is present in the latest version of the gnomAD population database at an allele frequency of 0.0007% (12/1611854) and is absent in the homozygous state; thus, it is presumed to be rare. Based on the available evidence, c.170G>A (p.Trp57Ter) is classified as Pathogenic.

Natera, Inc.
Classification: Pathogenic for Ataxia-telangiectasia. Last evaluated: 2025-07-10. Review status: criteria provided, single submitter. Criteria: Natera Variant Classification Schema (03/2026). Collection method: clinical testing. Allele origin: germline.
Comment: The c.170G>A variant in ATM is a nonsense variant predicted to introduce a stop codon at amino acid 57. This variant is expected to result in nonsense mediated decay, truncation, or a dysfunctional protein product. This variant is rare in the general population with a frequency below the threshold expected for the associated phenotype(s). This variant has been observed in one or more individuals affected with the associated recessive disease, as either homozygous or compound heterozygous with a second variant (PMID: 31921190). Given the available evidence, this variant is classified as Pathogenic.

CeGaT Center for Human Genetics Tuebingen
Classification: Pathogenic. Last evaluated: 2025-07-01. Review status: criteria provided, single submitter. Criteria: CeGaT Center For Human Genetics Tuebingen Variant Classification Criteria Version 2. Collection method: clinical testing. Allele origin: germline. Affected: yes. Observed: 3 variant alleles.
Comment: ATM: PVS1, PM2, PS4:Moderate

Greenwood Genetic Center Diagnostic Laboratories, Greenwood Genetic Center
Classification: Pathogenic for Familial cancer of breast. Last evaluated: 2025-05-06. Review status: criteria provided, single submitter. Criteria: ACMG Guidelines, 2015. Collection method: clinical testing. Allele origin: germline.
Comment: PVS1, PM2, PM3

Ambry Genetics
Classification: Pathogenic for Hereditary cancer-predisposing syndrome. Last evaluated: 2024-11-05. Review status: criteria provided, single submitter. Criteria: Ambry Variant Classification Scheme 2023. Collection method: clinical testing. Allele origin: germline.
Comment: The p.W57* pathogenic mutation (also known as c.170G>A), located in coding exon 2 of the ATM gene, results from a G to A substitution at nucleotide position 170. This changes the amino acid from a tryptophan to a stop codon within coding exon 2. This alteration has been reported in conjunction with a second pathogenic mutation in two individuals with ataxia telangiectasia (Li A and Swift M. Am. J. Med. Genet. 2000 May;92:170-7), as well as in families with strong histories of cancer of the breast, pancreas, and colon (Goldgar DE et al. Breast Cancer Res. 2011 Jul;13:R73; Roberts NJ et al. Cancer Discov. 2012 Jan;2:41-6; Gala MK et al. Gastroenterology. 2014 Feb;146:520-9; Maxwell KN et al. Am. J. Hum. Genet. 2016 May;98:801-17; Seifert BA et al. Clin. Cancer Res. 2016 Aug;22:4087-94; Bunnell AE et al. J. Genet. Couns. 2017 Feb;26:105-112; Pearlman R et al. JAMA Oncol. 2017 Apr;3:464-471; Shindo K et al. J. Clin. Oncol. 2017 Oct;35:3382-3390; Skaro M et al. Gastroenterology, 2019 05;156:1905-1913). This variant is considered to be rare based on population cohorts in the Genome Aggregation Database (gnomAD). In addition to the clinical data presented in the literature, this alteration is expected to result in loss of function by premature protein truncation or nonsense-mediated mRNA decay. As such, this alteration is interpreted as a disease-causing mutation.

Color Diagnostics, LLC DBA Color Health
Classification: Pathogenic for Hereditary cancer-predisposing syndrome. Last evaluated: 2024-09-23. Review status: criteria provided, single submitter. Criteria: ACMG Guidelines, 2015. Collection method: clinical testing. Allele origin: germline.
Comment: This variant changes 1 nucleotide in exon 3 of the ATM gene, creating a premature translation stop signal. This variant is expected to result in an absent or non-functional protein product. To our knowledge, functional studies have not been reported for this variant. This variant has been observed in individuals affected with breast cancer, pancreatic cancer, colon cancer, schwannoma and sessile serrated polyposis (PMID: 21787400, 22585167, 24512911, 26681312, 27083775) and in two ataxia-telangiectasia families with compound heterozygous mutations in ATM (PMID: 10817650). This variant has not been identified in the general population by the Genome Aggregation Database (gnomAD). Loss of ATM function is a known mechanism of disease. Based on the available evidence, this variant is classified as Pathogenic.

Quest Diagnostics Nichols Institute San Juan Capistrano
Classification: Pathogenic. Last evaluated: 2024-06-03. Review status: criteria provided, single submitter. Criteria: Quest Diagnostics criteria. Collection method: clinical testing. Allele origin: unknown.
Comment: The ATM c.170G>A (p.Trp57*) variant causes the premature termination of ATM protein synthesis. This variant has been reported in the published literature in individuals affected with ataxia-telangiectasia (AT) in a compound heterozygous state co-occurring with another ATM variant (PMID: 10817650 (2000), 30549301 (2019), 31921190 (2019)). This variant is also reported in individuals affected with breast cancer (PMID: 21787400 (2011), 27153395 (2016), 27276934 (2016)), pancreatic cancer (PMID: 22585167 (2012), 27083775 (2016), 28767289 (2017), 30716324 (2019)), and colon/rectal cancer (PMID: 26681312 (2015), 27978560 (2016)). The frequency of this variant in the general population, 0.0000066 (1/151962 chromosomes (Genome Aggregation Database)), is consistent with pathogenicity. Based on the available information, this variant is classified as pathogenic.

Blueprint Genetics
Classification: Pathogenic for ATM-related disorders. Last evaluated: 2024-05-17. Review status: criteria provided, single submitter. Criteria: ACMG Guidelines, 2015. Collection method: clinical testing. Allele origin: germline. Affected: yes. Observed: 4 variant alleles.

Fulgent Genetics
Classification: Pathogenic for Familial cancer of breast; Ataxia-telangiectasia syndrome. Last evaluated: 2024-04-06. Review status: criteria provided, single submitter. Criteria: ACMG Guidelines, 2015. Collection method: clinical testing. Allele origin: germline.

NM_000051.4(ATM):c.170G>A (p.Trp57Ter)

Gene: ATM (ATM serine/threonine kinase; plus strand). Cytogenetic location: 11q22.3.
Variant type: single nucleotide variant.
Coding change: c.170G>A on transcript NM_000051.4 (MANE Select); coding-DNA position 170, G replaced by A.
Protein change: p.Trp57Ter; replaces tryptophan 57 with a stop codon.
Molecular consequence: nonsense.
Genome position (GRCh38, 1-based): chr11:108,227,873, G>A. VCF-style: chr11-108227873-G-A. GRCh37 (hg19) VCF-style: chr11-108098600-G-A.
Other names: p.W57*:TGG>TAG; c.170G>A, p.Trp57Ter (NM_001351834.2, NM_001351835.2, NM_001351836.2); short protein forms W57*.
Identifiers: ClinVar variation 127341 (VCV000127341.59), dbSNP rs587779818, ClinGen allele CA286735.